The following is an entry in ClinVar:

NM_004006.3(DMD):c.2818C>T (p.Pro940Ser)

Gene: DMD (dystrophin; minus strand). Cytogenetic location: Xp21.1.
Variant type: single nucleotide variant.
Coding change: c.2818C>T on transcript NM_004006.3 (MANE Select); coding-DNA position 2818, C replaced by T.
Protein change: p.Pro940Ser; replaces proline 940 with serine.
Molecular consequence: missense variant.
Genome position (GRCh38, 1-based): chrX:32,472,295, G>A on the plus strand (C>T on the coding strand, the complement: DMD is on the minus strand). VCF-style: chrX-32472295-G-A. GRCh37 (hg19) VCF-style: chrX-32490412-G-A.
Other names: c.2794C>T, p.Pro932Ser (NM_000109.4); c.2806C>T, p.Pro936Ser (NM_004009.3); c.2449C>T, p.Pro817Ser (NM_004010.3); short protein forms P932S, P817S, P936S, P940S.
Identifiers: ClinVar variation 1796395 (VCV001796395.8), dbSNP rs1417425570, ClinGen allele CA412668256.
Genomic context (GRCh38, chrX:32,472,295, plus strand): 5'-TTTCTGACTGCTGGACCCATGTCCTGATGGCACTCATGGTCTCCTGATAGCGCATTGGTG[G>A]CAAAGTGTCAAAAACTTTATCAAAAGGGAAAAAAGAATGAGAATCACTTAATTGTTTCAC-3'
Protein context (NP_003997.2, residues 930-950): KELQTIFDTL[Pro940Ser]PMRYQETMSA

ClinVar aggregate classification (germline): Uncertain significance. Review status: criteria provided, multiple submitters, no conflicts (2 of 4 stars). 3 submissions from 3 submitters: Uncertain significance (3). Last evaluated 2025-05-27.

Conditions:
Duchenne muscular dystrophy (DMD). Also called: MUSCULAR DYSTROPHY, PSEUDOHYPERTROPHIC PROGRESSIVE, DUCHENNE TYPE; Duchenne Muscular Dystrophy (DMD). Identifiers: Orphanet 98896, MedGen C0013264, MONDO:0010679, OMIM 310200.
Cardiovascular phenotype. Identifiers: MedGen CN230736.

Allele frequency attached by ClinVar (database versions not stated): gnomAD exomes 0.00001; TOPMed 0.00001; gnomAD 0.00002.
gnomAD v4.1: 9 of 1,208,473 alleles (0.00074%); highest among the groups gnomAD compares: African/African-American, 0.0018%; no homozygotes.

Submissions (3):

Labcorp Genetics (formerly Invitae), Labcorp
Classification: Uncertain significance for Duchenne muscular dystrophy. Last evaluated: 2025-05-27. Review status: criteria provided, single submitter. Criteria: Invitae Variant Classification Sherloc (09022015). Collection method: clinical testing. Allele origin: germline.
Comment: This sequence change replaces proline, which is neutral and non-polar, with serine, which is neutral and polar, at codon 940 of the DMD protein (p.Pro940Ser). The frequency data for this variant in the population databases is considered unreliable, as metrics indicate poor data quality at this position in the gnomAD database. This variant has not been reported in the literature in individuals affected with DMD-related conditions. ClinVar contains an entry for this variant (Variation ID: 1796395). Invitae Evidence Modeling of protein sequence and biophysical properties (such as structural, functional, and spatial information, amino acid conservation, physicochemical variation, residue mobility, and thermodynamic stability) indicates that this missense variant is not expected to disrupt DMD protein function with a negative predictive value of 95%. In summary, the available evidence is currently insufficient to determine the role of this variant in disease. Therefore, it has been classified as a Variant of Uncertain Significance.

Ambry Genetics
Classification: Uncertain significance for Cardiovascular phenotype. Last evaluated: 2022-05-04. Review status: criteria provided, single submitter. Criteria: Ambry Variant Classification Scheme 2023. Collection method: clinical testing. Allele origin: germline.
Comment: The p.P940S variant (also known as c.2818C>T), located in coding exon 22 of the DMD gene, results from a C to T substitution at nucleotide position 2818. The proline at codon 940 is replaced by serine, an amino acid with similar properties. Based on data from gnomAD, the T allele has an overall frequency of 0.0005% (1/182865) total alleles studied, with 0 hemizygote(s) observed. The highest observed frequency was 0.0012% (1/81610) of European (non-Finnish) alleles. This amino acid position is highly conserved in available vertebrate species. In addition, this alteration is predicted to be tolerated by in silico analysis. Since supporting evidence is limited at this time, the clinical significance of this alteration remains unclear.

Revvity Omics, Revvity
Classification: Uncertain significance. Last evaluated: 2019-11-04. Review status: criteria provided, single submitter. Criteria: ACMG Guidelines, 2015. Collection method: clinical testing. Allele origin: germline.